The following is an entry in ClinVar:

NM_001360.3(DHCR7):c.376G>A (p.Val126Ile)

Genes: DHCR7 (7-dehydrocholesterol reductase; minus strand), NADSYN1 (NAD synthetase 1; plus strand). Cytogenetic location: 11q13.4.
Variant type: single nucleotide variant.
Coding change: c.376G>A on transcript NM_001360.3 (MANE Select); coding-DNA position 376, G replaced by A.
Protein change: p.Val126Ile; replaces valine 126 with isoleucine.
Molecular consequence: missense variant.
Genome position (GRCh38, 1-based): chr11:71,442,299, C>T on the plus strand (G>A on the coding strand, the complement: DHCR7 is on the minus strand). VCF-style: chr11-71442299-C-T. GRCh37 (hg19) VCF-style: chr11-71153345-C-T.
Other names: c.376G>A, p.Val126Ile (NM_001163817.2); short protein forms V126I.
Identifiers: ClinVar variation 197725 (VCV000197725.65), dbSNP rs143587828, ClinGen allele CA246030.

ClinVar aggregate classification (germline): Conflicting classifications of pathogenicity. Review status: criteria provided, conflicting classifications (1 of 4 stars). 13 submissions from 13 submitters: Uncertain significance (10); Likely benign (1). 2 of the submissions do not count toward it. Last evaluated 2025-12-16.

Conditions:
DHCR7-related disorder. Also called: DHCR7-related condition.
Inborn genetic diseases. Identifiers: MedGen C0950123, MeSH D030342.
Smith-Lemli-Opitz syndrome (SLOS). Also called: POLYDACTYLY, SEX REVERSAL, RENAL HYPOPLASIA, AND UNILOBAR LUNG; RSH SYNDROME; RUTLEDGE LETHAL MULTIPLE CONGENITAL ANOMALY SYNDROME; 7-Dehydrocholesterol reductase deficiency; LETHAL ACRODYSGENITAL SYNDROME. Identifiers: Orphanet 818, MedGen C0175694, MONDO:0010035, OMIM 270400.

Allele frequency attached by ClinVar (database versions not stated): gnomAD exomes 0.00008 and 0.00012; ExAC 0.00014; ESP Exome Variant Server 0.00015; gnomAD 0.00027 and 0.00030; TOPMed 0.00036.
gnomAD v4.1: 188 of 1,613,814 alleles (0.012%); highest among the groups gnomAD compares: African/African-American, 0.14%; 2 homozygotes.

Submissions (13):

Labcorp Genetics (formerly Invitae), Labcorp
Classification: Likely benign for Smith-Lemli-Opitz syndrome. Last evaluated: 2025-12-16. Review status: criteria provided, single submitter. Criteria: Invitae Variant Classification Sherloc (09022015). Collection method: clinical testing. Allele origin: germline.

Ambry Genetics
Classification: Uncertain significance for Inborn genetic diseases. Last evaluated: 2025-11-26. Review status: criteria provided, single submitter. Criteria: Ambry Variant Classification Scheme 2023. Collection method: clinical testing. Allele origin: germline.

GeneDx
Classification: Uncertain significance. Last evaluated: 2025-02-03. Review status: criteria provided, single submitter. Criteria: GeneDx Variant Classification Process June 2021. Collection method: clinical testing. Allele origin: germline. Affected: yes.
Comment: Variant identified in a patient with autism; however, it is unclear whether a second variant in this gene was identified (PMID: 28250423); In silico analysis indicates that this missense variant does not alter protein structure/function; Observed in homozygous state in an adult with normal serum cholesterol and no reported features of SLOS (PMID: 34168679); This variant is associated with the following publications: (PMID: 31130284, 28250423, 24813812, 29300326, 34168679)

Genomic Medicine Center of Excellence, King Faisal Specialist Hospital and Research Centre
Classification: Uncertain significance for Smith-Lemli-Opitz syndrome. Last evaluated: 2024-03-17. Review status: criteria provided, single submitter. Criteria: ACMG Guidelines, 2015. Collection method: research. Allele origin: germline.

Fulgent Genetics
Classification: Uncertain significance for Smith-Lemli-Opitz syndrome. Last evaluated: 2024-03-11. Review status: criteria provided, single submitter. Criteria: ACMG Guidelines, 2015. Collection method: clinical testing. Allele origin: germline.

Women's Health and Genetics/Laboratory Corporation of America, LabCorp
Classification: Uncertain significance. Last evaluated: 2023-12-13. Review status: criteria provided, single submitter. Criteria: LabCorp Variant Classification Summary - May 2015. Collection method: clinical testing. Allele origin: germline.
Comment: Variant summary: DHCR7 c.376G>A (p.Val126Ile) results in a conservative amino acid change in the encoded protein sequence. Three of five in-silico tools predict a damaging effect of the variant on protein function. The variant allele was found at a frequency of 0.00012 in 250706 control chromosomes (gnomAD). This frequency is not significantly higher than estimated for a pathogenic variant in DHCR7 causing Smith-Lemli-Opitz Syndrome (0.00012 vs 0.0043), allowing no conclusion about variant significance. These data indicate that the variant may be associated with disease. To our knowledge, no experimental evidence demonstrating an impact on protein function has been reported. The following publications have been ascertained in the context of this evaluation (PMID: 34168679, 24813812, 31130284, 28250423). Nine submitters have cited clinical-significance assessments for this variant to ClinVar after 2014. All submitters classified the variant as uncertain significance. Based on the evidence outlined above, the variant was classified as VUS-possibly pathogenic.

Laboratorio de Genetica e Diagnostico Molecular, Hospital Israelita Albert Einstein
Classification: Uncertain significance for Smith-Lemli-Opitz syndrome. Last evaluated: 2021-02-18. Review status: criteria provided, single submitter. Criteria: ACMG Guidelines, 2015. Collection method: clinical testing. Allele origin: germline. Affected: yes.
Comment: ACMG classification criteria: PM2 moderate

Baylor Genetics
Classification: Uncertain significance for Smith-Lemli-Opitz syndrome. Last evaluated: 2020-04-17. Review status: criteria provided, single submitter. Criteria: ACMG Guidelines, 2015. Collection method: clinical testing. Allele origin: unknown. Affected: yes.
Comment: This variant was determined to be of uncertain significance according to ACMG Guidelines, 2015 [PMID:25741868].

Mendelics
Classification: Uncertain significance. Last evaluated: 2019-05-28. Review status: criteria provided, single submitter. Criteria: Mendelics Assertion Criteria 2017. Collection method: clinical testing. Allele origin: unknown.

Eurofins Ntd Llc (ga)
Classification: Uncertain significance. Last evaluated: 2018-04-06. Review status: criteria provided, single submitter. Criteria: EGL ClinVar v180209 classification definitions. Collection method: clinical testing. Allele origin: germline. Observed: 5 variant alleles, 5 heterozygotes.

Illumina Laboratory Services, Illumina
Classification: Uncertain significance for Smith-Lemli-Opitz syndrome. Last evaluated: 2018-01-13. Review status: criteria provided, single submitter. Criteria: ICSL Variant Classification Criteria 13 December 2019. Collection method: clinical testing. Allele origin: germline.

PreventionGenetics, part of Exact Sciences
Classification: Uncertain significance for DHCR7-related condition. Last evaluated: 2024-08-21. Review status: no assertion criteria provided. Collection method: clinical testing. Allele origin: germline. Not counted in ClinVar's aggregate classification.
Comment: The DHCR7 c.376G>A variant is predicted to result in the amino acid substitution p.Val126Ile. This variant was reported in individuals with Smith-Lemli-Opitz syndrome (Cross et al. 2015. PubMed ID: 24813812; Saskin et al. 2017. PubMed ID: 28250423; Monies et al. 2019. PubMed ID: 31130284; Alharazy et al. 2021. PubMed ID: 34168679). This variant is reported in 0.12% of alleles in individuals of African descent in gnomAD. Although we suspect that this variant may be benign, at this time, the clinical significance of this variant is uncertain due to the absence of conclusive functional and genetic evidence.

Natera, Inc.
Classification: Uncertain significance for Smith-Lemli-Opitz syndrome. Last evaluated: 2018-06-26. Review status: no assertion criteria provided. Collection method: clinical testing. Allele origin: germline. Not counted in ClinVar's aggregate classification.

Literature cited by the submitters: PubMed 28250423 (cited by Ambry Genetics and Women's Health and Genetics/Laboratory Corporation of America, LabCorp); PubMed 28600779 (cited by Ambry Genetics); PubMed 31130284 (cited by Ambry Genetics and Women's Health and Genetics/Laboratory Corporation of America, LabCorp); PubMed 37644014 (cited by Ambry Genetics); PubMed 24813812 (cited by Women's Health and Genetics/Laboratory Corporation of America, LabCorp); PubMed 34168679 (cited by Women's Health and Genetics/Laboratory Corporation of America, LabCorp).